The following is an entry in ClinVar:

ClinVar aggregate classification (germline): Uncertain significance (1 of 4 stars; one submission).

Conditions:
Hereditary cancer-predisposing syndrome. Also called: Neoplastic Syndromes, Hereditary; Tumor predisposition; Hereditary neoplastic syndrome; Hereditary Cancer Syndrome. Identifiers: Orphanet 140162, MedGen C0027672, MeSH D009386, MONDO:0015356.

Submission:

Ambry Genetics
Classification: Uncertain significance for Hereditary cancer-predisposing syndrome. Last evaluated: 2025-08-29. Review status: criteria provided, single submitter. Criteria: Ambry Variant Classification Scheme 2023. Collection method: clinical testing. Allele origin: germline.
Comment: The p.P20T variant (also known as c.58C>A), located in coding exon 1 of the BARD1 gene, results from a C to A substitution at nucleotide position 58. The proline at codon 20 is replaced by threonine, an amino acid with highly similar properties. This amino acid position is not well conserved in available vertebrate species. In addition, this alteration is predicted to be tolerated by in silico analysis. Since supporting evidence is limited at this time, the clinical significance of this alteration remains unclear.

NM_000465.4(BARD1):c.58C>A (p.Pro20Thr)

Gene: BARD1 (BRCA1 associated RING domain 1; minus strand). Cytogenetic location: 2q35.
Variant type: single nucleotide variant.
Coding change: c.58C>A on transcript NM_000465.4 (MANE Select); coding-DNA position 58, C replaced by A.
Protein change: p.Pro20Thr; replaces proline 20 with threonine.
Molecular consequence: missense variant. On other transcripts: non-coding transcript variant (3).
Genome position (GRCh38, 1-based): chr2:214,809,512, G>T on the plus strand (C>A on the coding strand, the complement: BARD1 is on the minus strand). VCF-style: chr2-214809512-G-T. GRCh37 (hg19) VCF-style: chr2-215674236-G-T.
Other names: c.58C>A, p.Pro20Thr (NM_001282543.2, NM_001282545.2, NM_001282548.2 and 1 more transcripts); short protein forms P20T.
Identifiers: ClinVar variation 826043 (VCV000826043.5), dbSNP rs1326795982, ClinGen allele CA350465228.